The following is an entry in ClinVar:

ClinVar aggregate classification (germline): Uncertain significance (1 of 4 stars; one submission).

Conditions:
PCSK5-related disorder. Also called: PCSK5-related condition.

Submission:

PreventionGenetics, part of Exact Sciences
Classification: Uncertain significance for PCSK5-related condition. Last evaluated: 2025-01-17. Review status: criteria provided, single submitter. Criteria: ACMG Guidelines, 2015. Collection method: clinical testing. Allele origin: germline.
Comment: The PCSK5 c.2859T>A variant is predicted to result in premature protein termination (p.Cys953*). To our knowledge, this variant has not been reported in the literature or in a large population database (gnomAD), indicating this variant is rare. At this time, the clinical significance of this variant is uncertain due to the absence of conclusive functional and genetic evidence.

NM_001372043.1(PCSK5):c.2859T>A (p.Cys953Ter)

Gene: PCSK5 (proprotein convertase subtilisin/kexin type 5; plus strand). Cytogenetic location: 9q21.13.
Variant type: single nucleotide variant.
Coding change: c.2859T>A on transcript NM_001372043.1 (MANE Select); coding-DNA position 2859, T replaced by A.
Protein change: p.Cys953Ter; replaces cysteine 953 with a stop codon.
Molecular consequence: nonsense.
Genome position (GRCh38, 1-based): chr9:76,233,589, T>A. VCF-style: chr9-76233589-T-A. GRCh37 (hg19) VCF-style: chr9-78848505-T-A.
Other names: c.2859T>A, p.Cys953Ter (NM_001190482.2); short protein forms C953*.
Identifiers: ClinVar variation 4999682 (VCV004999682.1).